The following is an entry in ClinVar:

NM_002291.3(LAMB1):c.3392-232T>C

Gene: LAMB1 (laminin subunit beta 1; minus strand). Cytogenetic location: 7q31.1.
Variant type: single nucleotide variant.
Coding change: c.3392-232T>C on transcript NM_002291.3 (MANE Select); 232 bases into the intron before coding-DNA position 3392, T replaced by C.
Molecular consequence: intron variant.
Genome position (GRCh38, 1-based): chr7:107,940,590, A>G on the plus strand (T>C on the coding strand, the complement: LAMB1 is on the minus strand). VCF-style: chr7-107940590-A-G. GRCh37 (hg19) VCF-style: chr7-107581035-A-G.
Identifiers: ClinVar variation 682978 (VCV000682978.2), dbSNP rs11496130, ClinGen allele CA12595692.

ClinVar aggregate classification (germline): Benign. Review status: criteria provided, multiple submitters, no conflicts (2 of 4 stars). 2 submissions from 2 submitters: Benign (2). Last evaluated 2018-06-19.

Allele frequency attached by ClinVar (database versions not stated): gnomAD exomes 0.63297; gnomAD 0.63918 and 0.63955; TOPMed 0.64243; 1000 Genomes Project 0.68450; 1000 Genomes Project 30x 0.68551.

Submissions (2):

GeneDx
Classification: Benign. Last evaluated: 2018-06-19. Review status: criteria provided, single submitter. Criteria: GeneDx Variant Classification (06012015). Collection method: clinical testing. Allele origin: germline. Affected: yes.
Comment: This variant is considered likely benign or benign based on one or more of the following criteria: it is a conservative change, it occurs at a poorly conserved position in the protein, it is predicted to be benign by multiple in silico algorithms, and/or has population frequency not consistent with disease.

Breakthrough Genomics
Classification: Benign. Review status: criteria provided, single submitter. Criteria: ACMG Guidelines, 2015. Collection method: not provided. Allele origin: germline. Inheritance: Autosomal recessive inheritance. Affected: yes.